The following is an entry in ClinVar:

NM_001205293.3(CACNA1E):c.999C>A (p.Pro333=)

Gene: CACNA1E (calcium voltage-gated channel subunit alpha1 E; plus strand). Cytogenetic location: 1q25.3.
Variant type: single nucleotide variant.
Coding change: c.999C>A on transcript NM_001205293.3 (MANE Select); coding-DNA position 999, C replaced by A.
Protein change: p.Pro333=; no amino-acid change (proline 333 retained).
Molecular consequence: synonymous variant.
Genome position (GRCh38, 1-based): chr1:181,651,385, C>A. VCF-style: chr1-181651385-C-A. GRCh37 (hg19) VCF-style: chr1-181620521-C-A.
Other names: c.999C>A, p.Pro333= (NM_000721.4, NM_001205294.2).
Identifiers: ClinVar variation 3346259 (VCV003346259.1).

ClinVar aggregate classification (germline): Likely benign (0 of 4 stars; one submission).

Conditions:
CACNA1E-related disorder. Also called: CACNA1E-related condition.

Submission:

PreventionGenetics, part of Exact Sciences
Classification: Likely benign for CACNA1E-related condition. Last evaluated: 2024-06-18. Review status: no assertion criteria provided. Collection method: clinical testing. Allele origin: germline.
Comment: This variant is classified as likely benign based on ACMG/AMP sequence variant interpretation guidelines (Richards et al. 2015 PMID: 25741868, with internal and published modifications).